The following is an entry in ClinVar:

NM_001252024.2(TRPM1):c.2246C>G (p.Thr749Ser)

Gene: TRPM1 (transient receptor potential cation channel subfamily M member 1; minus strand). Cytogenetic location: 15q13.3.
Variant type: single nucleotide variant.
Coding change: c.2246C>G on transcript NM_001252024.2 (MANE Select); coding-DNA position 2246, C replaced by G.
Protein change: p.Thr749Ser; replaces threonine 749 with serine.
Molecular consequence: missense variant.
Genome position (GRCh38, 1-based): chr15:31,040,188, G>C on the plus strand (C>G on the coding strand, the complement: TRPM1 is on the minus strand). VCF-style: chr15-31040188-G-C. GRCh37 (hg19) VCF-style: chr15-31332391-G-C.
Other names: c.2297C>G, p.Thr766Ser (NM_001252020.2); c.2180C>G, p.Thr727Ser (NM_002420.6); c.2297C>G (NM_001252020.1); short protein forms T749S, T727S, T766S.
Identifiers: ClinVar variation 886386 (VCV000886386.13), dbSNP rs371356729, ClinGen allele CA7452283.

ClinVar aggregate classification (germline): Conflicting classifications of pathogenicity. Review status: criteria provided, conflicting classifications (1 of 4 stars). 4 submissions from 4 submitters: Uncertain significance (1); Likely benign (3). Last evaluated 2025-11-12.

Conditions:
Congenital stationary night blindness 1C. Also called: Night blindness, congenital stationary (complete), 1C, autosomal recessive. Identifiers: Orphanet 215, MedGen C2750747, MONDO:0013183, OMIM 613216.
TRPM1-related disorder. Also called: TRPM1-related condition.

Allele frequency attached by ClinVar (database versions not stated): gnomAD 0.00006 and 0.00013; TOPMed 0.00010; ExAC 0.00020; 1000 Genomes Project 30x 0.00094; 1000 Genomes Project 0.00100.
gnomAD v4.1: 81 of 1,614,212 alleles (0.005%); highest among the groups gnomAD compares: East Asian, 0.1%; 1 homozygote.

Submissions (4):

Labcorp Genetics (formerly Invitae), Labcorp
Classification: Likely benign. Last evaluated: 2025-11-12. Review status: criteria provided, single submitter. Criteria: Invitae Variant Classification Sherloc (09022015). Collection method: clinical testing. Allele origin: germline.

PreventionGenetics, part of Exact Sciences
Classification: Likely benign for TRPM1-related condition. Last evaluated: 2025-05-28. Review status: criteria provided, single submitter. Criteria: ACMG Guidelines, 2015. Collection method: clinical testing. Allele origin: germline.
Comment: This variant is classified as likely benign based on ACMG/AMP sequence variant interpretation guidelines (Richards et al. 2015 PMID: 25741868, with internal and published modifications).

Blueprint Genetics
Classification: Likely benign. Last evaluated: 2024-06-12. Review status: criteria provided, single submitter. Criteria: ACMG Guidelines, 2015. Collection method: clinical testing. Allele origin: germline.

Illumina Laboratory Services, Illumina
Classification: Uncertain significance for Congenital stationary night blindness 1C. Last evaluated: 2018-01-13. Review status: criteria provided, single submitter. Criteria: ICSL Variant Classification Criteria 13 December 2019. Collection method: clinical testing. Allele origin: germline.